The following is an entry in ClinVar:

NM_001018115.3(FANCD2):c.990-1G>C

Genes: FANCD2 (FA complementation group D2; plus strand), LOC107303338 (3p25 FANCD2 Alu-mediated recombination region; plus strand). Cytogenetic location: 3p25.3.
Variant type: single nucleotide variant.
Coding change: c.990-1G>C on transcript NM_001018115.3 (MANE Select); the canonical splice acceptor site of the intron before coding-DNA position 990, G replaced by C.
Molecular consequence: splice acceptor variant.
Genome position (GRCh38, 1-based): chr3:10,043,483, G>C. VCF-style: chr3-10043483-G-C. GRCh37 (hg19) VCF-style: chr3-10085167-G-C.
Other names: c.990-1G>C (NM_001319984.2, NM_001374253.1, NM_033084.6 and 1 more transcripts).
Identifiers: ClinVar variation 5006512 (VCV005006512.2).
Genomic context (GRCh38, chr3:10,043,483, plus strand): 5'-ATCTTGTAAGTTCTTTTCTGGTACGTAGAAGAGTAATTTTTTTCCTCTCTGCTACTTGTA[G>C]TTCCTCAGGAAATCAAGAAAGCAGCGGTCAGAGCTGTATTATTCTCCTCTTTGATGTAAT-3'

ClinVar aggregate classification (germline): Likely pathogenic (1 of 4 stars; one submission).

Conditions:
Fanconi anemia complementation group D2. Also called: FANCD2-Related Fanconi Anemia; FANCONI PANCYTOPENIA, TYPE 4; FANCONI ANEMIA, COMPLEMENTATION GROUP D. Identifiers: Orphanet 84, MedGen C3160738, MONDO:0009214, OMIM 227646.

Submission:

Juno Genomics, Hangzhou Juno Genomics, Inc
Classification: Likely pathogenic for Fanconi anemia complementation group D2. Review status: criteria provided, single submitter. Criteria: ACMG Guidelines, 2015. Collection method: clinical testing. Allele origin: germline.
Comment: Null variant in a gene where loss of function (LOF) is a known mechanism of disease.;Absent from controls (or at extremely low frequency if recessive) in Genome Aggregation Database.